The following is an entry in ClinVar:

NM_013314.4(BLNK):c.745G>A (p.Gly249Arg)

Gene: BLNK (B cell linker; minus strand). Cytogenetic location: 10q24.1.
Variant type: single nucleotide variant.
Coding change: c.745G>A on transcript NM_013314.4 (MANE Select); coding-DNA position 745, G replaced by A.
Protein change: p.Gly249Arg; replaces glycine 249 with arginine.
Molecular consequence: missense variant. On other transcripts: non-coding transcript variant (3).
Genome position (GRCh38, 1-based): chr10:96,209,839, C>T on the plus strand (G>A on the coding strand, the complement: BLNK is on the minus strand). VCF-style: chr10-96209839-C-T. GRCh37 (hg19) VCF-style: chr10-97969595-C-T.
Other names: c.676G>A, p.Gly226Arg (NM_001114094.2, NM_001258441.2); c.745G>A, p.Gly249Arg (NM_001258440.2); c.430G>A, p.Gly144Arg (NM_001258442.2); short protein forms G226R, G249R, G144R.
Identifiers: ClinVar variation 1895735 (VCV001895735.6), dbSNP rs143028297, ClinGen allele CA5623341.
Genomic context (GRCh38, chr10:96,209,839, plus strand): 5'-GGGTATCACCATCCTCACTCCCCAGATCTCAAAAGCTGCTTCCTGCAACAGGTACTTACC[C>T]GGCCCGTGGCAACGGGGATGGTGCAGCTGGTGGAGGTGACTTGGTTTCCCAGGCCCCACT-3'
Protein context (NP_037446.1, residues 239-259): PAAPSPLPRA[Gly249Arg]KKPTTPLKTT

ClinVar aggregate classification (germline): Uncertain significance. Review status: criteria provided, multiple submitters, no conflicts (2 of 4 stars). 2 submissions from 2 submitters: Uncertain significance (2). Last evaluated 2026-01-01.

Conditions:
Agammaglobulinemia 4, autosomal recessive (AGM4). Also called: B cell linker protein deficiency; AGAMMAGLOBULINEMIA, AUTOSOMAL RECESSIVE, DUE TO BLNK DEFECT. Identifiers: MedGen C3150752, MONDO:0013289, OMIM 613502.

Allele frequency attached by ClinVar (database versions not stated): ExAC 0.00002; gnomAD 0.00003; TOPMed 0.00004; ESP Exome Variant Server 0.00008.
gnomAD v4.1: 57 of 1,614,094 alleles (0.0035%); highest among the groups gnomAD compares: Non-Finnish European, 0.0039%; no homozygotes.

Submissions (2):

CeGaT Center for Human Genetics Tuebingen
Classification: Uncertain significance. Last evaluated: 2026-01-01. Review status: criteria provided, single submitter. Criteria: CeGaT Center For Human Genetics Tuebingen Variant Classification Criteria Version 2. Collection method: clinical testing. Allele origin: germline. Affected: yes. Observed: 1 variant allele.
Comment: BLNK: PM2

Labcorp Genetics (formerly Invitae), Labcorp
Classification: Uncertain significance for Agammaglobulinemia 4, autosomal recessive. Last evaluated: 2022-01-19. Review status: criteria provided, single submitter. Criteria: Invitae Variant Classification Sherloc (09022015). Collection method: clinical testing. Allele origin: germline.
Comment: This sequence change replaces glycine, which is neutral and non-polar, with arginine, which is basic and polar, at codon 249 of the BLNK protein (p.Gly249Arg). This variant is present in population databases (rs143028297, gnomAD 0.006%). This variant has not been reported in the literature in individuals affected with BLNK-related conditions. Algorithms developed to predict the effect of missense changes on protein structure and function (SIFT, PolyPhen-2, Align-GVGD) all suggest that this variant is likely to be tolerated. Algorithms developed to predict the effect of sequence changes on RNA splicing suggest that this variant may create or strengthen a splice site. In summary, the available evidence is currently insufficient to determine the role of this variant in disease. Therefore, it has been classified as a Variant of Uncertain Significance.